The following is an entry in ClinVar:

NM_001172509.2(SATB2):c.1393dup (p.Thr465fs)

Gene: SATB2 (SATB homeobox 2; minus strand). Cytogenetic location: 2q33.1.
Variant type: Duplication.
Coding change: c.1393dup on transcript NM_001172509.2 (MANE Select); coding-DNA position 1393, one base duplicated (A; older notation c.1393dupA).
Protein change: p.Thr465fs; shifts the reading frame from threonine 465.
Molecular consequence: frameshift variant.
Genome position (GRCh38, 1-based): chr2:199,323,952, T duplicated on the plus strand (A on the coding strand, the reverse complement: SATB2 is on the minus strand); the first of 4 consecutive T bases (chr2:199,323,952-199,323,955); duplicating any one gives the same sequence. VCF-style (leftmost placement, unchanged base first): chr2-199323951-G-GT. GRCh37 (hg19) VCF-style: chr2-200188674-G-GT.
Other names: c.1393dupA (NM_015265.3); c.1393dup, p.Thr465fs (NM_001172517.1, NM_015265.4); short protein forms T465fs.
Identifiers: ClinVar variation 504001 (VCV000504001.2), dbSNP rs1553547055, ClinGen allele CA658796135.

ClinVar aggregate classification (germline): Pathogenic (1 of 4 stars; one submission).

Submission:

GeneDx
Classification: Pathogenic. Last evaluated: 2017-12-21. Review status: criteria provided, single submitter. Criteria: GeneDx Variant Classification (06012015). Collection method: clinical testing. Allele origin: germline. Affected: yes.
Comment: The c.1393dupA variant in the SATB2 gene has not been reported previously as a pathogenic variantnor as a benign variant, to our knowledge. The c.1393dupA variant causes a frameshift starting withcodon Threonine 465, changes this amino acid to an Asparagine residue, and creates a premature Stopcodon at position 11 of the new reading frame, denoted p.Thr465AsnfsX11. This variant is predictedto cause loss of normal protein function either through protein truncation or nonsense-mediatedmRNA decay. The c.1393dupA variant is not observed in large population cohorts (Lek et al., 2016). We interpret c.1393dupA as a pathogenic variant.